The following is an entry in ClinVar:

ClinVar aggregate classification (germline): Uncertain significance (1 of 4 stars; one submission).

Submission:

Labcorp Genetics (formerly Invitae), Labcorp
Classification: Uncertain significance. Last evaluated: 2021-10-04. Review status: criteria provided, single submitter. Criteria: Invitae Variant Classification Sherloc (09022015). Collection method: clinical testing. Allele origin: germline.
Comment: In summary, the available evidence is currently insufficient to determine the role of this variant in disease. Therefore, it has been classified as a Variant of Uncertain Significance. Algorithms developed to predict the effect of missense changes on protein structure and function are either unavailable or do not agree on the potential impact of this missense change (SIFT: "Deleterious"; PolyPhen-2: "Possibly Damaging"; Align-GVGD: "Class C0"). This variant has not been reported in the literature in individuals affected with ADCY5-related conditions. This variant is not present in population databases (ExAC no frequency). This sequence change replaces arginine with histidine at codon 68 of the ADCY5 protein (p.Arg68His). The arginine residue is moderately conserved and there is a small physicochemical difference between arginine and histidine.

NM_183357.3(ADCY5):c.203G>A (p.Arg68His)

Gene: ADCY5 (adenylate cyclase 5; minus strand). Cytogenetic location: 3q21.1.
Variant type: single nucleotide variant.
Coding change: c.203G>A on transcript NM_183357.3 (MANE Select); coding-DNA position 203, G replaced by A.
Protein change: p.Arg68His; replaces arginine 68 with histidine.
Molecular consequence: missense variant.
Genome position (GRCh38, 1-based): chr3:123,448,343, C>T on the plus strand (G>A on the coding strand, the complement: ADCY5 is on the minus strand). VCF-style: chr3-123448343-C-T. GRCh37 (hg19) VCF-style: chr3-123167190-C-T.
Other names: c.203G>A, p.Arg68His (NM_001378259.1); short protein forms R68H.
Identifiers: ClinVar variation 1520785 (VCV001520785.6), dbSNP rs776480737, ClinGen allele CA354358707.